The following is an entry in ClinVar:

NM_003221.4(TFAP2B):c.971G>C (p.Gly324Ala)

Gene: TFAP2B (transcription factor AP-2 beta; plus strand). Cytogenetic location: 6p12.3.
Variant type: single nucleotide variant.
Coding change: c.971G>C on transcript NM_003221.4 (MANE Select); coding-DNA position 971, G replaced by C.
Protein change: p.Gly324Ala; replaces glycine 324 with alanine.
Molecular consequence: missense variant.
Genome position (GRCh38, 1-based): chr6:50,840,186, G>C. VCF-style: chr6-50840186-G-C. GRCh37 (hg19) VCF-style: chr6-50807899-G-C.
Other names: short protein forms G324A.
Identifiers: ClinVar variation 1305755 (VCV001305755.2), dbSNP rs1362556350, ClinGen allele CA364415551.

ClinVar aggregate classification (germline): Uncertain significance (1 of 4 stars; one submission).

Allele frequency attached by ClinVar (database versions not stated): gnomAD exomes below 0.00001; TOPMed below 0.00001.
gnomAD v4.1: 3 of 1,614,046 alleles (0.00019%); highest among the groups gnomAD compares: Non-Finnish European, 0.00025%; no homozygotes.

Submission:

GeneDx
Classification: Uncertain significance. Last evaluated: 2021-03-30. Review status: criteria provided, single submitter. Criteria: GeneDx Variant Classification Process June 2021. Collection method: clinical testing. Allele origin: germline. Affected: yes.
Comment: Not observed in large population cohorts (Lek et al., 2016); In silico analysis supports that this missense variant has a deleterious effect on protein structure/function; Has not been previously published as pathogenic or benign to our knowledge